The following is an entry in ClinVar:

NM_001367624.2(ZNF469):c.1090G>A (p.Ala364Thr)

Gene: ZNF469 (zinc finger protein 469; plus strand). Cytogenetic location: 16q24.2.
Variant type: single nucleotide variant.
Coding change: c.1090G>A on transcript NM_001367624.2 (MANE Select); coding-DNA position 1090, G replaced by A.
Protein change: p.Ala364Thr; replaces alanine 364 with threonine.
Molecular consequence: missense variant.
Genome position (GRCh38, 1-based): chr16:88,428,560, G>A. VCF-style: chr16-88428560-G-A. GRCh37 (hg19) VCF-style: chr16-88494968-G-A.
Other names: NM_001127464.1:c.1090G>A; short protein forms A364T.
Identifiers: ClinVar variation 1436876 (VCV001436876.10), dbSNP rs759454921, ClinGen allele CA8224659.

ClinVar aggregate classification (germline): Uncertain significance. Review status: criteria provided, multiple submitters, no conflicts (2 of 4 stars). 3 submissions from 3 submitters: Uncertain significance (3). Last evaluated 2024-06-25.

Conditions:
Cardiovascular phenotype. Identifiers: MedGen CN230736.

Allele frequency attached by ClinVar (database versions not stated): gnomAD exomes below 0.00001; gnomAD 0.00001; TOPMed 0.00001.
gnomAD v4.1: 4 of 1,550,014 alleles (0.00026%); highest among the groups gnomAD compares: African/African-American, 0.0041%; no homozygotes.

Submissions (3):

Labcorp Genetics (formerly Invitae), Labcorp
Classification: Uncertain significance. Last evaluated: 2024-06-25. Review status: criteria provided, single submitter. Criteria: Invitae Variant Classification Sherloc (09022015). Collection method: clinical testing. Allele origin: germline.
Comment: This sequence change replaces alanine, which is neutral and non-polar, with threonine, which is neutral and polar, at codon 364 of the ZNF469 protein (p.Ala364Thr). This variant is present in population databases (rs759454921, gnomAD 0.01%). This variant has not been reported in the literature in individuals affected with ZNF469-related conditions. ClinVar contains an entry for this variant (Variation ID: 1436876). Algorithms developed to predict the effect of missense changes on protein structure and function output the following: SIFT: "Not Available"; PolyPhen-2: "Benign"; Align-GVGD: "Not Available". The threonine amino acid residue is found in multiple mammalian species, which suggests that this missense change does not adversely affect protein function. In summary, the available evidence is currently insufficient to determine the role of this variant in disease. Therefore, it has been classified as a Variant of Uncertain Significance.

GeneDx
Classification: Uncertain significance. Last evaluated: 2023-04-27. Review status: criteria provided, single submitter. Criteria: GeneDx Variant Classification Process June 2021. Collection method: clinical testing. Allele origin: germline. Affected: yes.
Comment: Not observed at significant frequency in large population cohorts (gnomAD); In silico analysis supports that this missense variant does not alter protein structure/function; Has not been previously published as pathogenic or benign to our knowledge

Ambry Genetics
Classification: Uncertain significance for Cardiovascular phenotype. Last evaluated: 2021-07-01. Review status: criteria provided, single submitter. Criteria: Ambry Variant Classification Scheme 2023. Collection method: clinical testing. Allele origin: germline.
Comment: The p.A364T variant (also known as c.1090G>A), located in coding exon 1 of the ZNF469 gene, results from a G to A substitution at nucleotide position 1090. The alanine at codon 364 is replaced by threonine, an amino acid with similar properties. This amino acid position is conserved. In addition, this alteration is predicted to be tolerated by in silico analysis. Since supporting evidence is limited at this time, the clinical significance of this alteration remains unclear.